The following is an entry in ClinVar:

NM_001276270.2(MBD4):c.1374A>G (p.Ile458Met)

Gene: MBD4 (methyl-CpG binding domain 4, DNA glycosylase; minus strand). Cytogenetic location: 3q21.3.
Variant type: single nucleotide variant.
Coding change: c.1374A>G on transcript NM_001276270.2 (MANE Select); coding-DNA position 1374, A replaced by G.
Protein change: p.Ile458Met; replaces isoleucine 458 with methionine.
Molecular consequence: missense variant.
Genome position (GRCh38, 1-based): chr3:129,433,869, T>C on the plus strand (A>G on the coding strand, the complement: MBD4 is on the minus strand). VCF-style: chr3-129433869-T-C. GRCh37 (hg19) VCF-style: chr3-129152712-T-C.
Other names: c.1392A>G, p.Ile464Met (NM_001276271.2, NM_001276272.2, NM_003925.3); c.438A>G, p.Ile146Met (NM_001276273.2); short protein forms I464M, I146M, I458M.
Identifiers: ClinVar variation 4052179 (VCV004052179.1).

ClinVar aggregate classification (germline): Uncertain significance (1 of 4 stars; one submission).

Conditions:
Inborn genetic diseases. Identifiers: MedGen C0950123, MeSH D030342.

gnomAD v4.1: 4 of 1,614,104 alleles (0.00025%); highest among the groups gnomAD compares: Non-Finnish European, 0.00034%; no homozygotes.

Submission:

Ambry Genetics
Classification: Uncertain significance for Inborn genetic diseases. Last evaluated: 2025-03-30. Review status: criteria provided, single submitter. Criteria: Ambry Variant Classification Scheme 2023. Collection method: clinical testing. Allele origin: germline.
Comment: The p.I458M variant (also known as c.1374A>G), located in coding exon 5 of the MBD4 gene, results from an A to G substitution at nucleotide position 1374. The isoleucine at codon 458 is replaced by methionine, an amino acid with highly similar properties. This amino acid position is conserved. In addition, the in silico prediction for this alteration is inconclusive. Based on the available evidence, the clinical significance of this variant remains unclear.